The following is an entry in ClinVar:

ClinVar aggregate classification (germline): Likely pathogenic (1 of 4 stars; one submission).

Conditions:
Glucose-6-phosphate transport defect (GSD1B). Also called: Glycogen Storage Disease Type Ib; GSD Ib. Identifiers: Orphanet 364, Orphanet 79259, MedGen C0268146, MONDO:0009288, OMIM 232220.

Submission:

Natera, Inc.
Classification: Likely pathogenic for Glycogen storage disease type Ib. Last evaluated: 2024-08-21. Review status: criteria provided, single submitter. Criteria: Natera Variant Classification Schema (03/2026). Collection method: clinical testing. Allele origin: germline.
Comment: The c.674dup variant in SLC37A4 is a frameshift variant predicted to shift the reading frame and introduce a stop codon. This variant is expected to result in nonsense mediated decay, truncation, or a dysfunctional protein product. This variant is rare in the general population with a frequency below the threshold expected for the associated phenotype(s). Given the available evidence, this variant is classified as Likely Pathogenic.

NM_001164277.2(SLC37A4):c.674dup (p.Tyr225Ter)

Gene: SLC37A4 (solute carrier family 37 member 4; minus strand). Cytogenetic location: 11q23.3.
Variant type: Duplication.
Coding change: c.674dup on transcript NM_001164277.2 (MANE Select); coding-DNA position 674, one base duplicated (A; older notation c.674dupA).
Protein change: p.Tyr225Ter; replaces tyrosine 225 with a stop codon.
Molecular consequence: nonsense.
Genome position (GRCh38, 1-based): chr11:119,027,047, T duplicated on the plus strand (A on the coding strand, the reverse complement: SLC37A4 is on the minus strand). VCF-style (leftmost placement, unchanged base first): chr11-119027046-G-GT. GRCh37 (hg19) VCF-style: chr11-118897756-G-GT.
Other names: c.455dup, p.Tyr152Ter (NM_001164279.2); c.674dup, p.Tyr225Ter (NM_001164280.2, NM_001467.6, NM_001164278.2); short protein forms Y152*, Y225*.
Identifiers: ClinVar variation 4814677 (VCV004814677.1).